The following is an entry in ClinVar:

ClinVar aggregate classification (germline): Uncertain significance (1 of 4 stars; one submission).

Conditions:
Epilepsy, familial focal, with variable foci 3 (FFEVF3). Identifiers: MedGen C4310708, MONDO:0014925, OMIM 617118.

gnomAD v4.1: 7 of 1,613,396 alleles (0.00043%); highest among the groups gnomAD compares: Non-Finnish European, 0.00059%; no homozygotes.

Submission:

Labcorp Genetics (formerly Invitae), Labcorp
Classification: Uncertain significance for Epilepsy, familial focal, with variable foci 3. Last evaluated: 2025-05-14. Review status: criteria provided, single submitter. Criteria: Invitae Variant Classification Sherloc (09022015). Collection method: clinical testing. Allele origin: germline.
Comment: This sequence change replaces histidine, which is basic and polar, with tyrosine, which is neutral and polar, at codon 525 of the NPRL3 protein (p.His525Tyr). This variant is not present in population databases (gnomAD no frequency). This variant has not been reported in the literature in individuals affected with NPRL3-related conditions. Invitae Evidence Modeling of protein sequence and biophysical properties (such as structural, functional, and spatial information, amino acid conservation, physicochemical variation, residue mobility, and thermodynamic stability) indicates that this missense variant is expected to disrupt NPRL3 protein function with a positive predictive value of 80%. In summary, the available evidence is currently insufficient to determine the role of this variant in disease. Therefore, it has been classified as a Variant of Uncertain Significance.

NM_001077350.3(NPRL3):c.1573C>T (p.His525Tyr)

Gene: NPRL3 (NPR3 like, GATOR1 complex subunit; minus strand). Cytogenetic location: 16p13.3.
Variant type: single nucleotide variant.
Coding change: c.1573C>T on transcript NM_001077350.3 (MANE Select); coding-DNA position 1573, C replaced by T.
Protein change: p.His525Tyr; replaces histidine 525 with tyrosine.
Molecular consequence: missense variant.
Genome position (GRCh38, 1-based): chr16:86,842, G>A on the plus strand (C>T on the coding strand, the complement: NPRL3 is on the minus strand). VCF-style: chr16-86842-G-A. GRCh37 (hg19) VCF-style: chr16-136841-G-A.
Other names: c.1036C>T, p.His346Tyr (NM_001039476.3); c.1339C>T, p.His447Tyr (NM_001243247.2); c.1498C>T, p.His500Tyr (NM_001243248.2, NM_001243249.2); short protein forms H500Y, H525Y, H346Y, H447Y.
Identifiers: ClinVar variation 4780279 (VCV004780279.1).
Genomic context (GRCh38, chr16:86,842, plus strand): 5'-CAAACAGCATGAGCAGCTGGGAGCGCCGCGTGTTCTCGTTGTACATAATCTCCTCCAGGT[G>A]GTGGCGGCCGCGGAAGTAGTGAAGGAGCCTGGAAGGGATGGGTGGGTGTGAGCCCAACCT-3'
Protein context (NP_001070818.1, residues 515-535): RLLHYFRGRH[His525Tyr]LEEIMYNENT